The following is an entry in ClinVar:

NM_000173.7(GP1BA):c.1739T>C (p.Leu580Pro)

Genes: GP1BA (glycoprotein Ib platelet subunit alpha; plus strand), LOC130060044 (ATAC-STARR-seq lymphoblastoid active region 11554; plus strand). Cytogenetic location: 17p13.2.
Variant type: single nucleotide variant.
Coding change: c.1739T>C on transcript NM_000173.7 (MANE Select); coding-DNA position 1739, T replaced by C.
Protein change: p.Leu580Pro; replaces leucine 580 with proline.
Molecular consequence: missense variant.
Genome position (GRCh38, 1-based): chr17:4,934,343, T>C. VCF-style: chr17-4934343-T-C. GRCh37 (hg19) VCF-style: chr17-4837638-T-C.
Other names: c.1739T>C (NM_000173.5); short protein forms L580P.
Identifiers: ClinVar variation 3768476 (VCV003768476.3).
Genomic context (GRCh38, chr17:4,934,343, plus strand): 5'-CACAGGCCCTGGACTCTGGCCAAGGTGCTGCTCTGACCACAGCCACACAAACCACACACC[T>C]GGAGCTGCAGAGGGGACGGCAAGTGACAGTGCCCCGGGCCTGGCTGCTCTTCCTTCGAGG-3'
Protein context (NP_000164.5, residues 570-590): ALTTATQTTH[Leu580Pro]ELQRGRQVTV

ClinVar aggregate classification (germline): Uncertain significance. Review status: criteria provided, multiple submitters, no conflicts (2 of 4 stars). 2 submissions from 2 submitters: Uncertain significance (2). Last evaluated 2026-03-31.

Conditions:
Inborn genetic diseases. Identifiers: MedGen C0950123, MeSH D030342.

gnomAD v4.1: 117 of 1,613,988 alleles (0.0072%); highest among the groups gnomAD compares: African/African-American, 0.15%; 1 homozygote.

Submissions (2):

Women's Health and Genetics/Laboratory Corporation of America, LabCorp
Classification: Uncertain significance. Last evaluated: 2026-03-31. Review status: criteria provided, single submitter. Criteria: LabCorp Variant Classification Summary - May 2015. Collection method: clinical testing. Allele origin: germline.
Comment: Variant summary: GP1BA c.1739T>C (p.Leu580Pro) results in a non-conservative amino acid change in the encoded protein sequence. Algorithms developed to predict the effect of missense changes on protein structure and function are either unavailable or do not agree on the potential impact of this missense change. The variant allele was found at a frequency of 9.2e-05 in 249258 control chromosomes. This frequency is not significantly higher than estimated for disease-causing variants in GP1BA, allowing no conclusion about variant significance. To our knowledge, no occurrence of c.1739T>C in individuals affected with GP1BA-related conditions and no experimental evidence demonstrating its impact on protein function have been reported. ClinVar contains an entry for this variant (Variation ID: 3768476). Based on the evidence outlined above, the variant was classified as uncertain significance.

Ambry Genetics
Classification: Uncertain significance for Inborn genetic diseases. Last evaluated: 2025-08-09. Review status: criteria provided, single submitter. Criteria: Ambry Variant Classification Scheme 2023. Collection method: clinical testing. Allele origin: germline.